The following is an entry in ClinVar:

ClinVar aggregate classification (germline): Conflicting classifications of pathogenicity. Review status: criteria provided, conflicting classifications (1 of 4 stars). 5 submissions from 4 submitters: Uncertain significance (3); Likely benign (1). 1 of the submissions does not count toward it. Last evaluated 2025-07-21.

Conditions:
Regional enteritis. Also called: Enteritis, Granulomatous. Identifiers: MedGen C0678202, MeSH D003424.
Blau syndrome (BLAUS). Also called: ARTHROCUTANEOUVEAL GRANULOMATOSIS; GRANULOMATOSIS, FAMILIAL JUVENILE SYSTEMIC; GRANULOMATOSIS, FAMILIAL, BLAU TYPE; GRANULOMATOUS INFLAMMATORY ARTHRITIS, DERMATITIS, AND UVEITIS, FAMILIAL; JABS SYNDROME. Identifiers: Orphanet 90340, MedGen C5201146, MONDO:0008523, OMIM 186580.
Inflammatory bowel disease 1 (IBD1). Also called: Inflammatory bowel disease 1, Crohn disease; INFLAMMATORY BOWEL DISEASE (CROHN DISEASE) 1. Identifiers: MedGen CN260071, MONDO:0009960, OMIM 266600.

Allele frequency attached by ClinVar (database versions not stated): gnomAD exomes 0.00003 and 0.00005; gnomAD 0.00004; ExAC 0.00005; TOPMed 0.00005.
gnomAD v4.1: 53 of 1,613,868 alleles (0.0033%); highest among the groups gnomAD compares: Admixed American, 0.0083%; no homozygotes.

Submissions (5):

Labcorp Genetics (formerly Invitae), Labcorp
Classification: Uncertain significance for Regional enteritis; Blau syndrome. Last evaluated: 2025-07-21. Review status: criteria provided, single submitter. Criteria: Invitae Variant Classification Sherloc (09022015). Collection method: clinical testing. Allele origin: germline.
Comment: This sequence change replaces leucine, which is neutral and non-polar, with phenylalanine, which is neutral and non-polar, at codon 789 of the NOD2 protein (p.Leu789Phe). This variant is present in population databases (rs773758818, gnomAD 0.01%). This variant has not been reported in the literature in individuals affected with NOD2-related conditions. ClinVar contains an entry for this variant (Variation ID: 319464). Invitae Evidence Modeling of protein sequence and biophysical properties (such as structural, functional, and spatial information, amino acid conservation, physicochemical variation, residue mobility, and thermodynamic stability) has been performed for this missense variant. However, the output from this modeling did not meet the statistical confidence thresholds required to predict the impact of this variant on NOD2 protein function. In summary, the available evidence is currently insufficient to determine the role of this variant in disease. Therefore, it has been classified as a Variant of Uncertain Significance.

Women's Health and Genetics/Laboratory Corporation of America, LabCorp
Classification: Uncertain significance. Last evaluated: 2023-09-26. Review status: criteria provided, single submitter. Criteria: LabCorp Variant Classification Summary - May 2015. Collection method: clinical testing. Allele origin: germline.
Comment: Variant summary: NOD2 c.2365C>T (p.Leu789Phe) results in a non-conservative amino acid change in the encoded protein sequence. Four of five in-silico tools predict a damaging effect of the variant on protein function. The variant allele was found at a frequency of 4.8e-05 in 250044 control chromosomes. To our knowledge, no occurrence of c.2365C>T in individuals affected with NOD2-Related Disorders and no experimental evidence demonstrating its impact on protein function have been reported. Three submitters have cited clinical-significance assessments for this variant to ClinVar after 2014 and classified as VUS (n=2) and likely benign (n=1). Based on the evidence outlined above, the variant was classified as uncertain significance.

Illumina Laboratory Services, Illumina
Classification: Uncertain significance for Inflammatory bowel disease 1. Last evaluated: 2018-01-13. Review status: criteria provided, single submitter. Criteria: ICSL Variant Classification Criteria 13 December 2019. Collection method: clinical testing. Allele origin: germline.

Illumina Laboratory Services, Illumina
Classification: Likely benign for Blau syndrome. Last evaluated: 2018-01-13. Review status: criteria provided, single submitter. Criteria: ICSL Variant Classification Criteria 13 December 2019. Collection method: clinical testing. Allele origin: germline.
Comment: This variant was observed in the ICSL laboratory as part of a predisposition screen in an ostensibly healthy population. It had not been previously curated by ICSL or reported in the Human Gene Mutation Database (HGMD: prior to June 1st, 2018), and was therefore a candidate for classification through an automated scoring system. Utilizing variant allele frequency, disease prevalence and penetrance estimates, and inheritance mode, an automated score was calculated to assess if this variant is too frequent to cause the disease. Based on the score and internal cut-off values, a variant classified as likely benign is not then subjected to further curation. The score for this variant resulted in a classification of likely benign for this disease.

Department of Pathology and Laboratory Medicine, Sinai Health System
Classification: Uncertain significance. Review status: no assertion criteria provided. Collection method: clinical testing. Allele origin: unknown. Affected: yes. Study: The Canadian Open Genetics Repository (COGR). Not counted in ClinVar's aggregate classification.
Comment: The NOD2 p.Leu762Phe variant was not identified in the literature nor was it identified in LOVD 3.0. The variant was identified in dbSNP (ID: rs773758818) and ClinVar (classified as uncertain significance by Illumina for Blau Syndrome and Crohn Disease). The variant was identified in control databases in 15 of 281436 chromosomes at a frequency of 0.0000533 (Genome Aggregation Database March 6, 2019, v2.1.1). The variant was observed in the following populations: Latino in 4 of 35436 chromosomes (freq: 0.000113), European (non-Finnish) in 10 of 127940 chromosomes (freq: 0.000078) and African in 1 of 24966 chromosomes (freq: 0.00004), but was not observed in the Ashkenazi Jewish, East Asian, European (Finnish), Other, or South Asian populations. The p.Leu762 residue is conserved in mammals and computational analyses (PolyPhen-2, SIFT, AlignGVGD, BLOSUM, MutationTaster) provide inconsistent predictions regarding the impact to the protein; this information is not very predictive of pathogenicity. The variant occurs outside of the splicing consensus sequence and in silico or computational prediction software programs (SpliceSiteFinder, MaxEntScan, NNSPLICE, GeneSplicer) do not predict a difference in splicing. In summary, based on the above information the clinical significance of this variant cannot be determined with certainty at this time. This variant is classified as a variant of uncertain significance.

NM_001370466.1(NOD2):c.2284C>T (p.Leu762Phe)

Gene: NOD2 (nucleotide binding oligomerization domain containing 2; plus strand). Cytogenetic location: 16q12.1.
Variant type: single nucleotide variant.
Coding change: c.2284C>T on transcript NM_001370466.1 (MANE Select); coding-DNA position 2284, C replaced by T.
Protein change: p.Leu762Phe; replaces leucine 762 with phenylalanine.
Molecular consequence: missense variant. On other transcripts: non-coding transcript variant (1).
Genome position (GRCh38, 1-based): chr16:50,712,276, C>T. VCF-style: chr16-50712276-C-T. GRCh37 (hg19) VCF-style: chr16-50746187-C-T.
Other names: c.2365C>T (LRG_177t1, NM_022162.2); c.2284C>T, p.Leu762Phe (NM_001293557.2); c.2365C>T, p.Leu789Phe (NM_022162.3); short protein forms L789F, L762F.
Identifiers: ClinVar variation 319464 (VCV000319464.14), dbSNP rs773758818, ClinGen allele CA8051759.